The following is an entry in ClinVar:

NM_003070.5(SMARCA2):c.4743G>T (p.Gln1581His)

Gene: SMARCA2 (SWI/SNF related BAF chromatin remodeling complex subunit ATPase 2; plus strand). Cytogenetic location: 9p24.3.
Variant type: single nucleotide variant.
Coding change: c.4743G>T on transcript NM_003070.5 (MANE Select); coding-DNA position 4743, G replaced by T.
Protein change: p.Gln1581His; replaces glutamine 1581 with histidine.
Molecular consequence: missense variant.
Genome position (GRCh38, 1-based): chr9:2,192,709, G>T. VCF-style: chr9-2192709-G-T. GRCh37 (hg19) VCF-style: chr9-2192709-G-T.
Other names: c.4743G>T, p.Gln1581His (NM_001289396.2); c.4515G>T, p.Gln1505His (NM_001289397.2); c.717G>T, p.Gln239His (NM_001289398.2); c.801G>T, p.Gln267His (NM_001289399.2); c.807G>T, p.Gln269His (NM_001289400.2); c.4689G>T, p.Gln1563His (NM_139045.4); c.4743G>T (NM_003070.4); short protein forms Q1563H, Q239H, Q269H, Q1505H, Q1581H, Q267H.
Identifiers: ClinVar variation 2081331 (VCV002081331.7), dbSNP rs190172342, ClinGen allele CA4964342.
Genomic context (GRCh38, chr9:2,192,709, plus strand): 5'-TTCTTTTTCTTGCATGTGATGTTACTTCATTTTATCTTCTTATTTTTACTTTTAGGAACA[G>T]TCAGAAGGAAGTGGGACGGATGATGAGTGATCAGTATGGACCTTTTTCCTTGGTAGAACT-3'
Protein context (NP_003061.3, residues 1571-1590): DSDEEQDERE[Gln1581His]SEGSGTDDE

ClinVar aggregate classification (germline): Conflicting classifications of pathogenicity. Review status: criteria provided, conflicting classifications (1 of 4 stars). 4 submissions from 4 submitters: Uncertain significance (1); Likely benign (2). 1 of the submissions does not count toward it. Last evaluated 2025-04-16.

Conditions:
SMARCA2-related disorder. Also called: SMARCA2-related condition.
Inborn genetic diseases. Identifiers: MedGen C0950123, MeSH D030342.

Allele frequency attached by ClinVar (database versions not stated): 1000 Genomes Project 30x 0.00016; 1000 Genomes Project 0.00020.
gnomAD v4.1: 57 of 1,606,632 alleles (0.0035%); highest among the groups gnomAD compares: African/African-American, 0.008%; no homozygotes.

Submissions (4):

ARUP Laboratories, Molecular Genetics and Genomics, ARUP Laboratories
Classification: Uncertain significance. Last evaluated: 2025-04-16. Review status: criteria provided, single submitter. Criteria: ARUP Molecular Germline Variant Investigation Process 2024. Collection method: clinical testing. Allele origin: germline.

Labcorp Genetics (formerly Invitae), Labcorp
Classification: Likely benign. Last evaluated: 2024-10-14. Review status: criteria provided, single submitter. Criteria: Invitae Variant Classification Sherloc (09022015). Collection method: clinical testing. Allele origin: germline.

Ambry Genetics
Classification: Likely benign for Inborn genetic diseases. Last evaluated: 2021-12-14. Review status: criteria provided, single submitter. Criteria: Ambry Variant Classification Scheme 2023. Collection method: clinical testing. Allele origin: germline.

PreventionGenetics, part of Exact Sciences
Classification: Likely benign for SMARCA2-related condition. Last evaluated: 2024-07-10. Review status: no assertion criteria provided. Collection method: clinical testing. Allele origin: germline. Not counted in ClinVar's aggregate classification.
Comment: This variant is classified as likely benign based on ACMG/AMP sequence variant interpretation guidelines (Richards et al. 2015 PMID: 25741868, with internal and published modifications).